The following is an entry in ClinVar:

ClinVar aggregate classification (germline): Uncertain significance. Review status: criteria provided, multiple submitters, no conflicts (2 of 4 stars). 2 submissions from 2 submitters: Uncertain significance (2). Last evaluated 2024-04-12.

Conditions:
Microcephaly-intellectual disability-sensorineural hearing loss-epilepsy-abnormal muscle tone syndrome (NEDHSB). Also called: NEURODEVELOPMENTAL DISORDER WITH HEARING LOSS, SEIZURES, AND BRAIN ABNORMALITIES. Identifiers: Orphanet 457351, MedGen C4225276, MONDO:0014698, OMIM 616577.

Allele frequency attached by ClinVar (database versions not stated): gnomAD 0.00001; gnomAD exomes 0.00001; TOPMed 0.00002.
gnomAD v4.1: 5 of 1,613,908 alleles (0.00031%); highest among the groups gnomAD compares: African/African-American, 0.0067%; no homozygotes.

Submissions (2):

GeneDx
Classification: Uncertain significance. Last evaluated: 2024-04-12. Review status: criteria provided, single submitter. Criteria: GeneDx Variant Classification Process June 2021. Collection method: clinical testing. Allele origin: germline. Affected: yes.
Comment: In silico analysis supports that this missense variant has a deleterious effect on protein structure/function; Has not been previously published as pathogenic or benign to our knowledge

Labcorp Genetics (formerly Invitae), Labcorp
Classification: Uncertain significance for Microcephaly-intellectual disability-sensorineural hearing loss-epilepsy-abnormal muscle tone syndrome. Last evaluated: 2022-08-25. Review status: criteria provided, single submitter. Criteria: Invitae Variant Classification Sherloc (09022015). Collection method: clinical testing. Allele origin: germline.
Comment: This sequence change replaces isoleucine, which is neutral and non-polar, with threonine, which is neutral and polar, at codon 521 of the SPATA5 protein (p.Ile521Thr). This variant is present in population databases (no rsID available, gnomAD 0.01%). This variant has not been reported in the literature in individuals affected with SPATA5-related conditions. ClinVar contains an entry for this variant (Variation ID: 1014276). Advanced modeling of protein sequence and biophysical properties (such as structural, functional, and spatial information, amino acid conservation, physicochemical variation, residue mobility, and thermodynamic stability) performed at Invitae indicates that this missense variant is expected to disrupt SPATA5 protein function. In summary, the available evidence is currently insufficient to determine the role of this variant in disease. Therefore, it has been classified as a Variant of Uncertain Significance.

NM_145207.3(AFG2A):c.1562T>C (p.Ile521Thr)

Gene: AFG2A (AFG2 AAA ATPase homolog A; plus strand). Cytogenetic location: 4q28.1.
Variant type: single nucleotide variant.
Coding change: c.1562T>C on transcript NM_145207.3 (MANE Select); coding-DNA position 1562, T replaced by C.
Protein change: p.Ile521Thr; replaces isoleucine 521 with threonine.
Molecular consequence: missense variant.
Genome position (GRCh38, 1-based): chr4:122,947,336, T>C. VCF-style: chr4-122947336-T-C. GRCh37 (hg19) VCF-style: chr4-123868491-T-C.
Other names: c.1559T>C, p.Ile520Thr (NM_001317799.2, NM_001345856.2); c.1562T>C (NM_145207.2); short protein forms I520T, I521T.
Identifiers: ClinVar variation 1014276 (VCV001014276.3), dbSNP rs897870081, ClinGen allele CA104829687.